The following is an entry in ClinVar:

NM_003392.7(WNT5A):c.141-8C>G

Gene: WNT5A (Wnt family member 5A; minus strand). Cytogenetic location: 3p14.3.
Variant type: single nucleotide variant.
Coding change: c.141-8C>G on transcript NM_003392.7 (MANE Select); 8 bases into the intron before coding-DNA position 141, C replaced by G.
Molecular consequence: intron variant.
Genome position (GRCh38, 1-based): chr3:55,479,572, G>C on the plus strand (C>G on the coding strand, the complement: WNT5A is on the minus strand). VCF-style: chr3-55479572-G-C. GRCh37 (hg19) VCF-style: chr3-55513600-G-C.
Other names: c.96-8C>G (NM_001377271.1, NM_001377272.1, NM_001256105.1).
Identifiers: ClinVar variation 160311 (VCV000160311.17), dbSNP rs188798140, ClinGen allele CA272814.

ClinVar aggregate classification (germline): Conflicting classifications of pathogenicity. Review status: criteria provided, conflicting classifications (1 of 4 stars). 3 submissions from 3 submitters: Uncertain significance (1); Likely benign (2). Last evaluated 2025-11-15.

Conditions:
WNT5A-related disorder. Also called: WNT5A-related condition.
Autosomal dominant Robinow syndrome 1. Also called: ACRAL DYSOSTOSIS WITH FACIAL AND GENITAL ABNORMALITIES; Covesdem syndrome (formerly); Costovertebral segmentation defect with mesomelia (formerly); ROBINOW DWARFISM; WNT5A-Related Robinow Syndrome, Autosomal Dominant; FETAL FACE SYNDROME. Identifiers: Orphanet 3107, Orphanet 97360, MedGen C4551475, MONDO:0024455, OMIM 180700.

Allele frequency attached by ClinVar (database versions not stated): TOPMed 0.00025; 1000 Genomes Project 30x 0.00031; 1000 Genomes Project 0.00040.
gnomAD v4.1: 210 of 1,569,866 alleles (0.013%); highest among the groups gnomAD compares: Admixed American, 0.053%; no homozygotes.

Submissions (4):

Labcorp Genetics (formerly Invitae), Labcorp
Classification: Likely benign. Last evaluated: 2025-11-15. Review status: criteria provided, single submitter. Criteria: Invitae Variant Classification Sherloc (09022015). Collection method: clinical testing. Allele origin: germline.

PreventionGenetics, part of Exact Sciences
Classification: Likely benign for WNT5A-related condition. Last evaluated: 2025-02-24. Review status: criteria provided, single submitter. Criteria: ACMG Guidelines, 2015. Collection method: clinical testing. Allele origin: germline.
Comment: This variant is classified as likely benign based on ACMG/AMP sequence variant interpretation guidelines (Richards et al. 2015 PMID: 25741868, with internal and published modifications).

Genetic Services Laboratory, University of Chicago
Classification: Uncertain significance for Robinow syndrome, autosomal dominant. Last evaluated: 2013-02-08. Review status: criteria provided, single submitter. Criteria: ACMG Guidelines, 2007. Collection method: clinical testing. Allele origin: germline. Inheritance: Autosomal dominant inheritance.

Dr. Peter K. Rogan Lab, Western University
No classification provided (evidence only). Condition: Familial cancer of breast. Review status: no classification provided. Collection method: in vitro. Allele origin: not applicable. Functional consequence: retained intron. Not counted in ClinVar's aggregate classification.